The following is an entry in ClinVar:

ClinVar aggregate classification (germline): Uncertain significance. Review status: criteria provided, multiple submitters, no conflicts (2 of 4 stars). 3 submissions from 3 submitters: Uncertain significance (3). Last evaluated 2025-09-09.

Conditions:
OTOGL-related disorder. Also called: OTOGL-related condition.
Inborn genetic diseases. Identifiers: MedGen C0950123, MeSH D030342.

Allele frequency attached by ClinVar (database versions not stated): gnomAD exomes 0.00002 and 0.00006; TOPMed 0.00002; gnomAD 0.00003; ExAC 0.00009.
gnomAD v4.1: 25 of 1,364,218 alleles (0.0018%); highest among the groups gnomAD compares: Middle Eastern, 0.019%; 1 homozygote.

Submissions (3):

PreventionGenetics, part of Exact Sciences
Classification: Uncertain significance for OTOGL-related condition. Last evaluated: 2025-09-09. Review status: criteria provided, single submitter. Criteria: ACMG Guidelines, 2015. Collection method: clinical testing. Allele origin: germline.
Comment: The OTOGL c.3626A>G variant is predicted to result in the amino acid substitution p.Tyr1209Cys. To our knowledge, this variant has not been reported in the literature. One submitter to ClinVar has observed this variant in an individual with deafness, however additional information was not provided. This variant is reported in 0.013% of alleles in individuals of European (Non-Finnish) descent in gnomAD. At this time, the clinical significance of this variant is uncertain due to the absence of conclusive functional and genetic evidence.

Ambry Genetics
Classification: Uncertain significance for Inborn genetic diseases. Last evaluated: 2025-07-03. Review status: criteria provided, single submitter. Criteria: Ambry Variant Classification Scheme 2023. Collection method: clinical testing. Allele origin: germline.

Labcorp Genetics (formerly Invitae), Labcorp
Classification: Uncertain significance. Last evaluated: 2023-10-03. Review status: criteria provided, single submitter. Criteria: Invitae Variant Classification Sherloc (09022015). Collection method: clinical testing. Allele origin: germline.
Comment: This sequence change replaces tyrosine, which is neutral and polar, with cysteine, which is neutral and slightly polar, at codon 1209 of the OTOGL protein (p.Tyr1209Cys). The frequency data for this variant in the population databases is considered unreliable, as metrics indicate poor data quality at this position in the gnomAD database. This missense change has been observed in individual(s) with congenital deafness (Invitae). ClinVar contains an entry for this variant (Variation ID: 1386760). An algorithm developed to predict the effect of missense changes on protein structure and function (PolyPhen-2) suggests that this variant is likely to be disruptive. In summary, the available evidence is currently insufficient to determine the role of this variant in disease. Therefore, it has been classified as a Variant of Uncertain Significance.

NM_001378609.3(OTOGL):c.3653A>G (p.Tyr1218Cys)

Gene: OTOGL (otogelin like; plus strand). Cytogenetic location: 12q21.31.
Variant type: single nucleotide variant.
Coding change: c.3653A>G on transcript NM_001378609.3 (MANE Select); coding-DNA position 3653, A replaced by G.
Protein change: p.Tyr1218Cys; replaces tyrosine 1218 with cysteine.
Molecular consequence: missense variant.
Genome position (GRCh38, 1-based): chr12:80,318,564, A>G. VCF-style: chr12-80318564-A-G. GRCh37 (hg19) VCF-style: chr12-80712344-A-G.
Other names: c.3626A>G (NM_173591.3); c.3518A>G, p.Tyr1173Cys (NM_001368062.3); c.3653A>G, p.Tyr1218Cys (NM_001378610.3, NM_173591.7); short protein forms Y1173C, Y1218C.
Identifiers: ClinVar variation 1386760 (VCV001386760.11), dbSNP rs763389475, ClinGen allele CA6701157.